The following is an entry in ClinVar:

NM_198506.5(LRIT3):c.365G>A (p.Trp122Ter)

Gene: LRIT3 (leucine rich repeat, Ig-like and transmembrane domains 3; plus strand). Cytogenetic location: 4q25.
Variant type: single nucleotide variant.
Coding change: c.365G>A on transcript NM_198506.5 (MANE Select); coding-DNA position 365, G replaced by A.
Protein change: p.Trp122Ter; replaces tryptophan 122 with a stop codon.
Molecular consequence: nonsense.
Genome position (GRCh38, 1-based): chr4:109,851,752, G>A. VCF-style: chr4-109851752-G-A. GRCh37 (hg19) VCF-style: chr4-110772908-G-A.
Other names: short protein forms W122*.
Identifiers: ClinVar variation 847530 (VCV000847530.5), dbSNP rs1734277023, ClinGen allele CA357871754.
Genomic context (GRCh38, chr4:109,851,752, plus strand): 5'-ACAACCTGAAGCAACTGCATGAGTTGCGCTTGGATGGGAATTCTCTGGCTGCTTTCCCTT[G>A]GGCATCTCTGCTGGACATGCCCCTTCTGAGGACCCTGGACTTGCACAATAACAAAATAAC-3'

ClinVar aggregate classification (germline): Uncertain significance (1 of 4 stars; one submission).

Allele frequency attached by ClinVar (database versions not stated): gnomAD exomes below 0.00001.
gnomAD v4.1: 1 of 1,551,654 alleles (0.000064%); highest among the groups gnomAD compares: African/African-American, 0.0014%; no homozygotes.

Submission:

Labcorp Genetics (formerly Invitae), Labcorp
Classification: Uncertain significance. Last evaluated: 2023-08-04. Review status: criteria provided, single submitter. Criteria: Invitae Variant Classification Sherloc (09022015). Collection method: clinical testing. Allele origin: germline.
Comment: In summary, the available evidence is currently insufficient to determine the role of this variant in disease. Therefore, it has been classified as a Variant of Uncertain Significance. ClinVar contains an entry for this variant (Variation ID: 847530). This variant has not been reported in the literature in individuals affected with LRIT3-related conditions. This variant is not present in population databases (gnomAD no frequency). This sequence change creates a premature translational stop signal (p.Trp122*) in the LRIT3 gene. It is expected to result in an absent or disrupted protein product. However, the current clinical and genetic evidence is not sufficient to establish whether loss-of-function variants in LRIT3 cause disease.